The following is an entry in ClinVar:

ClinVar aggregate classification (germline): Uncertain significance. Review status: criteria provided, multiple submitters, no conflicts (2 of 4 stars). 2 submissions from 2 submitters: Uncertain significance (2). Last evaluated 2022-11-23.

Conditions:
Hereditary cancer-predisposing syndrome. Also called: Hereditary neoplastic syndrome; Neoplastic Syndromes, Hereditary; Hereditary Cancer Syndrome; Tumor predisposition. Identifiers: Orphanet 140162, MedGen C0027672, MeSH D009386, MONDO:0015356.

Submissions (2):

Labcorp Genetics (formerly Invitae), Labcorp
Classification: Uncertain significance for Hereditary cancer-predisposing syndrome. Last evaluated: 2022-11-23. Review status: criteria provided, single submitter. Criteria: Invitae Variant Classification Sherloc (09022015). Collection method: clinical testing. Allele origin: germline.
Comment: This sequence change replaces threonine, which is neutral and polar, with alanine, which is neutral and non-polar, at codon 918 of the RAD50 protein (p.Thr918Ala). This variant is not present in population databases (gnomAD no frequency). This variant has not been reported in the literature in individuals affected with RAD50-related conditions. ClinVar contains an entry for this variant (Variation ID: 1488720). Advanced modeling of protein sequence and biophysical properties (such as structural, functional, and spatial information, amino acid conservation, physicochemical variation, residue mobility, and thermodynamic stability) performed at Invitae indicates that this missense variant is not expected to disrupt RAD50 protein function. In summary, the available evidence is currently insufficient to determine the role of this variant in disease. Therefore, it has been classified as a Variant of Uncertain Significance.

Ambry Genetics
Classification: Uncertain significance for Hereditary cancer-predisposing syndrome. Last evaluated: 2022-09-19. Review status: criteria provided, single submitter. Criteria: Ambry Variant Classification Scheme 2023. Collection method: clinical testing. Allele origin: germline.
Comment: The p.T918A variant (also known as c.2752A>G), located in coding exon 17 of the RAD50 gene, results from an A to G substitution at nucleotide position 2752. The threonine at codon 918 is replaced by alanine, an amino acid with similar properties. This amino acid position is conserved. In addition, this alteration is predicted to be tolerated by in silico analysis. Since supporting evidence is limited at this time, the clinical significance of this alteration remains unclear.

NM_005732.4(RAD50):c.2752A>G (p.Thr918Ala)

Gene: RAD50 (RAD50 double strand break repair protein; plus strand). Cytogenetic location: 5q31.1.
Variant type: single nucleotide variant.
Coding change: c.2752A>G on transcript NM_005732.4 (MANE Select); coding-DNA position 2752, A replaced by G.
Protein change: p.Thr918Ala; replaces threonine 918 with alanine.
Molecular consequence: missense variant.
Genome position (GRCh38, 1-based): chr5:132,608,648, A>G. VCF-style: chr5-132608648-A-G. GRCh37 (hg19) VCF-style: chr5-131944340-A-G.
Other names: short protein forms T918A.
Identifiers: ClinVar variation 1488720 (VCV001488720.10), dbSNP rs2149849404, ClinGen allele CA360958762.